The following is an entry in ClinVar:

NM_001754.5(RUNX1):c.184_187dup (p.Ala63fs)

Gene: RUNX1 (RUNX family transcription factor 1; minus strand). Cytogenetic location: 21q22.12.
Variant type: Duplication.
Coding change: c.184_187dup on transcript NM_001754.5 (MANE Select); coding-DNA positions 184 to 187, 4 bases duplicated (GACG; older notation c.184_187dupGACG).
Protein change: p.Ala63fs; shifts the reading frame from alanine 63.
Molecular consequence: frameshift variant.
Genome position (GRCh38, 1-based): chr21:34,887,007-34,887,010, CGTC duplicated on the plus strand (GACG on the coding strand, the reverse complement: RUNX1 is on the minus strand); duplicating any 4 consecutive bases within chr21:34,887,007-34,887,012 gives the same sequence; the c. name uses the placement nearest the transcript's 3' end. VCF-style (leftmost placement, unchanged base first): chr21-34887006-G-GCGTC. GRCh37 (hg19) VCF-style: chr21-36259303-G-GCGTC.
Other names: NM_001754.5(RUNX1):c.184_187dup; p.Ala63fs; c.103_106dup, p.Ala36fs (NM_001001890.3, NM_001122607.2); c.184_187dupGACG (NM_001754.4); short protein forms A36fs, A63fs.
Identifiers: ClinVar variation 2632141 (VCV002632141.5), dbSNP rs2517486812, ClinGen allele CA2695201454.
Genomic context (GRCh38, chr21:34,887,006, plus strand): 5'-GCCAGCACCTCCACCATGCTGCGGTCGCCGCTCCTCAGCTTGCCGGCCAGGGCAGCGCCG[G>GCGTC]CGTCCGGGGCGCCCAGCGGCAACGCCTCGCTCATCTTGCCTGGGCTCAGCGCGGTGGAAG-3'

ClinVar aggregate classification (germline): Pathogenic. Review status: reviewed by expert panel (3 of 4 stars). 2 submissions from 2 submitters: Pathogenic (1). 1 of the submissions does not count toward it. Last evaluated 2025-03-26.

Conditions:
RUNX1-related disorder. Also called: RUNX1-related condition.
Hereditary thrombocytopenia and hematologic cancer predisposition syndrome. Identifiers: Orphanet 71290, MedGen CN281654, MONDO:0011071.

Submissions (2):

ClinGen Myeloid Malignancy Variant Curation Expert Panel
Classification: Pathogenic for Hereditary thrombocytopenia and hematologic cancer predisposition syndrome. Last evaluated: 2025-03-26. Review status: reviewed by expert panel. Criteria: ClinGen MyeloMalig ACMG Specifications v2. Collection method: curation. Allele origin: germline. Inheritance: Autosomal dominant inheritance.
Comment: NM_001754.5(RUNX1):c.184_187dup (p.Ala63GlyfsTer?) is a frameshift variant which is predicted to undergo nonsense-mediated decay in a gene in which loss of function is an established mechanism (frameshift (+) c.98-c.779 as per VCEP specifications) (PVS1). This variant is downstream of c.98 (PM5_supporting). It is completely absent from all population databases with at least 20x coverage for RUNX1 (PM2_supporting). In summary, this variant meets criteria to be classified as pathogenic. ACMG/AMP criteria applied, as specified by the Myeloid Malignancy Variant Curation Expert Panel for RUNX1: PVS1, PM5_supporting, PM2_supporting.

PreventionGenetics, part of Exact Sciences
Classification: Pathogenic for RUNX1-related condition. Last evaluated: 2026-03-06. Review status: criteria provided, single submitter. Criteria: ACMG Guidelines, 2015. Collection method: clinical testing. Allele origin: germline. Not counted in ClinVar's aggregate classification.
Comment: The RUNX1 c.184_187dupGACG variant is predicted to result in a frameshift and premature protein termination (p.Ala63Glyfs*76). To our knowledge, this variant has not been reported in the literature or in a large population database (gnomAD), indicating this variant is rare. Frameshift variants in RUNX1 are expected to be pathogenic. This variant is interpreted as pathogenic.